The following is an entry in ClinVar:

NM_000535.7(PMS2):c.2038G>A (p.Gly680Ser)

Gene: PMS2 (PMS1 homolog 2, mismatch repair system component; minus strand). Cytogenetic location: 7p22.1.
Variant type: single nucleotide variant.
Coding change: c.2038G>A on transcript NM_000535.7 (MANE Select); coding-DNA position 2038, G replaced by A.
Protein change: p.Gly680Ser; replaces glycine 680 with serine.
Molecular consequence: missense variant. On other transcripts: non-coding transcript variant (1).
Genome position (GRCh38, 1-based): chr7:5,982,960, C>T on the plus strand (G>A on the coding strand, the complement: PMS2 is on the minus strand). VCF-style: chr7-5982960-C-T. GRCh37 (hg19) VCF-style: chr7-6022591-C-T.
Other names: c.1633G>A, p.Gly545Ser (NM_001322003.2, NM_001322004.2, NM_001322005.2 and 1 more transcripts); c.1882G>A, p.Gly628Ser (NM_001322006.2); c.1720G>A, p.Gly574Ser (NM_001322007.2, NM_001322008.2); c.1477G>A, p.Gly493Ser (NM_001322010.2); c.1105G>A, p.Gly369Ser (NM_001322011.2, NM_001322012.2); c.1465G>A, p.Gly489Ser (NM_001322013.2); c.2038G>A, p.Gly680Ser (NM_001322014.2); c.1729G>A, p.Gly577Ser (NM_001322015.2); short protein forms G680S, G545S, G369S, G489S, G574S, G577S, G628S, G493S.
Identifiers: ClinVar variation 484287 (VCV000484287.5), dbSNP rs1182717826, ClinGen allele CA366738132.
Genomic context (GRCh38, chr7:5,982,960, plus strand): 5'-GGTCCACTATGAAGATATCCTCATTCAGTTTGGTTATTATAAATCCCAGGTTAAACTGAC[C>T]AATGATTTCCATTTCTGCAAACATCGTTTTACTGCAGGTAGAAAATGTTAATTATCAGAC-3'
Protein context (NP_000526.2, residues 670-690): KTMFAEMEII[Gly680Ser]QFNLGFIITK

ClinVar aggregate classification (germline): Uncertain significance (1 of 4 stars; one submission).

Conditions:
Hereditary cancer-predisposing syndrome. Also called: Neoplastic Syndromes, Hereditary; Tumor predisposition; Hereditary Cancer Syndrome; Hereditary neoplastic syndrome. Identifiers: Orphanet 140162, MedGen C0027672, MeSH D009386, MONDO:0015356.

Allele frequency attached by ClinVar (database versions not stated): gnomAD exomes below 0.00001; gnomAD 0.00001.
gnomAD v4.1: 2 of 1,570,056 alleles (0.00013%); highest among the groups gnomAD compares: Admixed American, 0.0018%; no homozygotes.

Submission:

Ambry Genetics
Classification: Uncertain significance for Hereditary cancer-predisposing syndrome. Last evaluated: 2021-06-09. Review status: criteria provided, single submitter. Criteria: Ambry Variant Classification Scheme 2023. Collection method: clinical testing. Allele origin: germline.
Comment: The p.G680S variant (also known as c.2038G>A), located in coding exon 12 of the PMS2 gene, results from a G to A substitution at nucleotide position 2038. The glycine at codon 680 is replaced by serine, an amino acid with similar properties. This amino acid position is highly conserved in available vertebrate species. In addition, this alteration is predicted to be deleterious by in silico analysis. Since supporting evidence is limited at this time, the clinical significance of this alteration remains unclear.